The following is an entry in ClinVar:

ClinVar aggregate classification (germline): Uncertain significance (1 of 4 stars; one submission).

gnomAD v4.1: 5 of 1,584,600 alleles (0.00032%); highest among the groups gnomAD compares: Non-Finnish European, 0.00043%; no homozygotes.

Submission:

GeneDx
Classification: Uncertain significance. Last evaluated: 2024-10-28. Review status: criteria provided, single submitter. Criteria: GeneDx Variant Classification Process June 2021. Collection method: clinical testing. Allele origin: germline. Affected: yes.
Comment: Not observed at significant frequency in large population cohorts (gnomAD); In silico analysis indicates that this missense variant does not alter protein structure/function; Has not been previously published as pathogenic or benign to our knowledge

NM_001042681.2(RERE):c.3892A>G (p.Thr1298Ala)

Gene: RERE (arginine-glutamic acid dipeptide repeats; minus strand). Cytogenetic location: 1p36.23.
Variant type: single nucleotide variant.
Coding change: c.3892A>G on transcript NM_001042681.2 (MANE Select); coding-DNA position 3892, A replaced by G.
Protein change: p.Thr1298Ala; replaces threonine 1298 with alanine.
Molecular consequence: missense variant.
Genome position (GRCh38, 1-based): chr1:8,358,643, T>C on the plus strand (A>G on the coding strand, the complement: RERE is on the minus strand). VCF-style: chr1-8358643-T-C. GRCh37 (hg19) VCF-style: chr1-8418703-T-C.
Other names: c.2230A>G, p.Thr744Ala (NM_001042682.2); c.3892A>G, p.Thr1298Ala (NM_012102.4); short protein forms T1298A, T744A.
Identifiers: ClinVar variation 3893610 (VCV003893610.1).